The following is an entry in ClinVar:

NM_139318.5(KCNH5):c.2711A>G (p.Gln904Arg)

Gene: KCNH5 (potassium voltage-gated channel subfamily H member 5; minus strand). Cytogenetic location: 14q23.2.
Variant type: single nucleotide variant.
Coding change: c.2711A>G on transcript NM_139318.5 (MANE Select); coding-DNA position 2711, A replaced by G.
Protein change: p.Gln904Arg; replaces glutamine 904 with arginine.
Molecular consequence: missense variant. On other transcripts: 3 prime UTR variant (1).
Genome position (GRCh38, 1-based): chr14:62,707,764, T>C on the plus strand (A>G on the coding strand, the complement: KCNH5 is on the minus strand). VCF-style: chr14-62707764-T-C. GRCh37 (hg19) VCF-style: chr14-63174482-T-C.
Other names: c.*678A>G (NM_172375.3); short protein forms Q904R.
Identifiers: ClinVar variation 3700588 (VCV003700588.2).

ClinVar aggregate classification (germline): Uncertain significance (1 of 4 stars; one submission).

Conditions:
Early-infantile DEE. Also called: Early infantile epileptic encephalopathy with suppression bursts; Early infantile epileptic encephalopathy; Ohtahara syndrome. Identifiers: Orphanet 1934, MedGen C0393706, MONDO:0800491.

gnomAD v4.1: 1 of 1,614,160 alleles (0.000062%); highest among the groups gnomAD compares: Non-Finnish European, 0.000085%; no homozygotes.

Submission:

Labcorp Genetics (formerly Invitae), Labcorp
Classification: Uncertain significance for Early-infantile DEE. Last evaluated: 2024-11-19. Review status: criteria provided, single submitter. Criteria: Invitae Variant Classification Sherloc (09022015). Collection method: clinical testing. Allele origin: germline.
Comment: This sequence change replaces glutamine, which is neutral and polar, with arginine, which is basic and polar, at codon 904 of the KCNH5 protein (p.Gln904Arg). The frequency data for this variant in the population databases is considered unreliable, as metrics indicate poor data quality at this position in the gnomAD database. This variant has not been reported in the literature in individuals affected with KCNH5-related conditions. Invitae Evidence Modeling of protein sequence and biophysical properties (such as structural, functional, and spatial information, amino acid conservation, physicochemical variation, residue mobility, and thermodynamic stability) indicates that this missense variant is not expected to disrupt KCNH5 protein function with a negative predictive value of 95%. In summary, the available evidence is currently insufficient to determine the role of this variant in disease. Therefore, it has been classified as a Variant of Uncertain Significance.